The following is an entry in ClinVar:

ClinVar aggregate classification (germline): Likely benign (1 of 4 stars; one submission).

Allele frequency attached by ClinVar (database versions not stated): gnomAD exomes below 0.00001; ExAC 0.00001.
gnomAD v4.1: 1 of 1,614,026 alleles (0.000062%); highest among the groups gnomAD compares: South Asian, 0.0011%; no homozygotes.

Submission:

CeGaT Center for Human Genetics Tuebingen
Classification: Likely benign. Last evaluated: 2023-11-01. Review status: criteria provided, single submitter. Criteria: CeGaT Center For Human Genetics Tuebingen Variant Classification Criteria Version 2. Collection method: clinical testing. Allele origin: germline. Affected: yes. Observed: 1 variant allele.
Comment: LRP12: BP4, BP7

NM_013437.5(LRP12):c.1887C>T (p.Val629=)

Gene: LRP12 (LDL receptor related protein 12; minus strand). Cytogenetic location: 8q22.3.
Variant type: single nucleotide variant.
Coding change: c.1887C>T on transcript NM_013437.5 (MANE Select); coding-DNA position 1887, C replaced by T.
Protein change: p.Val629=; no amino-acid change (valine 629 retained).
Molecular consequence: synonymous variant.
Genome position (GRCh38, 1-based): chr8:104,491,366, G>A on the plus strand (C>T on the coding strand, the complement: LRP12 is on the minus strand). VCF-style: chr8-104491366-G-A. GRCh37 (hg19) VCF-style: chr8-105503594-G-A.
Other names: c.1830C>T, p.Val610= (NM_001135703.3).
Identifiers: ClinVar variation 2673157 (VCV002673157.23), dbSNP rs747838229, ClinGen allele CA4838835.
Genomic context (GRCh38, chr8:104,491,366, plus strand): 5'-GGAAAACAAACTTCTGTGAGTATGATTTCTCTCAGGTTCTCTACTGGTACTCTGACTAGG[G>A]ACAACCTCATCTCCATCTGCTGAGACCAAAGCCAATGACCCAGAATGACGTGATCTTGCA-3'
Protein context (NP_038465.1, residues 619-639): ALVSADGDEV[Val629=]PSQSTSREPE